The following is an entry in ClinVar:

NM_015160.3(PMPCA):c.1565G>A (p.Arg522Gln)

Gene: PMPCA (peptidase, mitochondrial processing subunit alpha; plus strand). Cytogenetic location: 9q34.3.
Variant type: single nucleotide variant.
Coding change: c.1565G>A on transcript NM_015160.3 (MANE Select); coding-DNA position 1565, G replaced by A.
Protein change: p.Arg522Gln; replaces arginine 522 with glutamine.
Molecular consequence: missense variant.
Genome position (GRCh38, 1-based): chr9:136,423,251, G>A. VCF-style: chr9-136423251-G-A. GRCh37 (hg19) VCF-style: chr9-139317703-G-A.
Other names: c.1172G>A, p.Arg391Gln (NM_001282944.2); c.1265G>A, p.Arg422Gln (NM_001282946.2); short protein forms R522Q, R391Q, R422Q.
Identifiers: ClinVar variation 3890927 (VCV003890927.2).
Genomic context (GRCh38, chr9:136,423,251, plus strand): 5'-CGTATGAGCACATCCAGACCGCCCTGTCGAGTAAGGACGGGCGCCTGCCCAGGACGTACC[G>A]GCTCTTCCGGTAGAACCGCTCCCCGGCCTGACAGACCCAGGGAGCTGCAGCTGGAGCCCG-3'
Protein context (NP_055975.1, residues 512-525): SKDGRLPRTY[Arg522Gln]LFR

ClinVar aggregate classification (germline): Uncertain significance. Review status: criteria provided, multiple submitters, no conflicts (2 of 4 stars). 2 submissions from 2 submitters: Uncertain significance (2). Last evaluated 2025-08-14.

Conditions:
Inborn genetic diseases. Identifiers: MedGen C0950123, MeSH D030342.

gnomAD v4.1: 51 of 1,612,086 alleles (0.0032%); highest among the groups gnomAD compares: African/African-American, 0.035%; no homozygotes.

Submissions (2):

Labcorp Genetics (formerly Invitae), Labcorp
Classification: Uncertain significance. Last evaluated: 2025-08-14. Review status: criteria provided, single submitter. Criteria: Invitae Variant Classification Sherloc (09022015). Collection method: clinical testing. Allele origin: germline.
Comment: This sequence change replaces arginine, which is basic and polar, with glutamine, which is neutral and polar, at codon 522 of the PMPCA protein (p.Arg522Gln). This variant is present in population databases (rs561780092, gnomAD 0.05%). This variant has not been reported in the literature in individuals affected with PMPCA-related conditions. ClinVar contains an entry for this variant (Variation ID: 3890927). An algorithm developed to predict the effect of missense changes on protein structure and function (PolyPhen-2) suggests that this variant is likely to be disruptive. In summary, the available evidence is currently insufficient to determine the role of this variant in disease. Therefore, it has been classified as a Variant of Uncertain Significance.

Ambry Genetics
Classification: Uncertain significance for Inborn genetic diseases. Last evaluated: 2025-02-14. Review status: criteria provided, single submitter. Criteria: Ambry Variant Classification Scheme 2023. Collection method: clinical testing. Allele origin: germline.